The following is an entry in ClinVar:

ClinVar aggregate classification (germline): Uncertain significance. Review status: criteria provided, multiple submitters, no conflicts (2 of 4 stars). 2 submissions from 2 submitters: Uncertain significance (2). Last evaluated 2024-04-24.

Conditions:
Combined immunodeficiency due to STK4 deficiency (IMD110). Also called: T-cell immunodeficiency, recurrent infections, and autoimmunity with or without cardiac malformations; STK4 DEFICIENCY; MST1 DEFICIENCY. Identifiers: Orphanet 314689, MedGen C3553943, MONDO:0013934, OMIM 614868.
Inborn genetic diseases. Identifiers: MedGen C0950123, MeSH D030342.

gnomAD v4.1: 2 of 1,614,076 alleles (0.00012%); highest among the groups gnomAD compares: Admixed American, 0.0017%; no homozygotes.

Submissions (2):

Ambry Genetics
Classification: Uncertain significance for Inborn genetic diseases. Last evaluated: 2024-04-24. Review status: criteria provided, single submitter. Criteria: Ambry Variant Classification Scheme 2023. Collection method: clinical testing. Allele origin: germline.

Labcorp Genetics (formerly Invitae), Labcorp
Classification: Uncertain significance for Combined immunodeficiency due to STK4 deficiency. Last evaluated: 2022-03-29. Review status: criteria provided, single submitter. Criteria: Invitae Variant Classification Sherloc (09022015). Collection method: clinical testing. Allele origin: germline.
Comment: This sequence change replaces arginine, which is basic and polar, with proline, which is neutral and non-polar, at codon 310 of the STK4 protein (p.Arg310Pro). This variant is present in population databases (rs35447878, gnomAD 0.003%). This variant has not been reported in the literature in individuals affected with STK4-related conditions. Advanced modeling of protein sequence and biophysical properties (such as structural, functional, and spatial information, amino acid conservation, physicochemical variation, residue mobility, and thermodynamic stability) performed at Invitae indicates that this missense variant is not expected to disrupt STK4 protein function. In summary, the available evidence is currently insufficient to determine the role of this variant in disease. Therefore, it has been classified as a Variant of Uncertain Significance.

NM_006282.5(STK4):c.929G>C (p.Arg310Pro)

Gene: STK4 (serine/threonine kinase 4; plus strand). Cytogenetic location: 20q13.12.
Variant type: single nucleotide variant.
Coding change: c.929G>C on transcript NM_006282.5 (MANE Select); coding-DNA position 929, G replaced by C.
Protein change: p.Arg310Pro; replaces arginine 310 with proline.
Molecular consequence: missense variant.
Genome position (GRCh38, 1-based): chr20:45,000,489, G>C. VCF-style: chr20-45000489-G-C. GRCh37 (hg19) VCF-style: chr20-43629130-G-C.
Other names: c.929G>C, p.Arg310Pro (NM_001352385.2); short protein forms R310P.
Identifiers: ClinVar variation 2054409 (VCV002054409.2), dbSNP rs35447878, ClinGen allele CA9873928.